The following is an entry in ClinVar:

NM_021098.3(CACNA1H):c.4187G>A (p.Arg1396His)

Gene: CACNA1H (calcium voltage-gated channel subunit alpha1 H; plus strand). Cytogenetic location: 16p13.3.
Variant type: single nucleotide variant.
Coding change: c.4187G>A on transcript NM_021098.3 (MANE Select); coding-DNA position 4187, G replaced by A.
Protein change: p.Arg1396His; replaces arginine 1396 with histidine.
Molecular consequence: missense variant.
Genome position (GRCh38, 1-based): chr16:1,210,935, G>A. VCF-style: chr16-1210935-G-A. GRCh37 (hg19) VCF-style: chr16-1260935-G-A.
Other names: c.4187G>A, p.Arg1396His (NM_001005407.2); short protein forms R1396H.
Identifiers: ClinVar variation 3761818 (VCV003761818.2).

ClinVar aggregate classification (germline): Uncertain significance (1 of 4 stars; one submission).

Conditions:
Idiopathic generalized epilepsy. Also called: EIG; Generalised epilepsy. Identifiers: MedGen C0270850, MONDO:0005579, OMIM 600669.
Hyperaldosteronism, familial, type IV (HALD4). Also called: FH IV; ALDOSTERONISM, PRIMARY, AND HYPERTENSION. Identifiers: Orphanet 642671, MedGen C4310756, MONDO:0014875, OMIM 617027.

gnomAD v4.1: 4 of 1,601,040 alleles (0.00025%); highest among the groups gnomAD compares: Non-Finnish European, 0.00034%; no homozygotes.

Submission:

Labcorp Genetics (formerly Invitae), Labcorp
Classification: Uncertain significance for Idiopathic generalized epilepsy; Hyperaldosteronism, familial, type IV. Last evaluated: 2024-02-05. Review status: criteria provided, single submitter. Criteria: Invitae Variant Classification Sherloc (09022015). Collection method: clinical testing. Allele origin: germline.
Comment: This sequence change replaces arginine, which is basic and polar, with histidine, which is basic and polar, at codon 1396 of the CACNA1H protein (p.Arg1396His). This variant is not present in population databases (gnomAD no frequency). This variant has not been reported in the literature in individuals affected with CACNA1H-related conditions. Advanced modeling of protein sequence and biophysical properties (such as structural, functional, and spatial information, amino acid conservation, physicochemical variation, residue mobility, and thermodynamic stability) performed at Invitae indicates that this missense variant is expected to disrupt CACNA1H protein function with a positive predictive value of 80%. In summary, the available evidence is currently insufficient to determine the role of this variant in disease. Therefore, it has been classified as a Variant of Uncertain Significance.